The following is an entry in ClinVar:

ClinVar aggregate classification (germline): Uncertain significance (1 of 4 stars; one submission).

Submission:

Labcorp Genetics (formerly Invitae), Labcorp
Classification: Uncertain significance. Last evaluated: 2025-05-12. Review status: criteria provided, single submitter. Criteria: Invitae Variant Classification Sherloc (09022015). Collection method: clinical testing. Allele origin: germline.
Comment: This sequence change replaces leucine, which is neutral and non-polar, with valine, which is neutral and non-polar, at codon 243 of the IRF9 protein (p.Leu243Val). This variant is not present in population databases (gnomAD no frequency). This variant has not been reported in the literature in individuals affected with IRF9-related conditions. ClinVar contains an entry for this variant (Variation ID: 1721759). An algorithm developed to predict the effect of missense changes on protein structure and function (PolyPhen-2) suggests that this variant is likely to be disruptive. In summary, the available evidence is currently insufficient to determine the role of this variant in disease. Therefore, it has been classified as a Variant of Uncertain Significance.

NM_006084.5(IRF9):c.727C>G (p.Leu243Val)

Gene: IRF9 (interferon regulatory factor 9; plus strand). Cytogenetic location: 14q12.
Variant type: single nucleotide variant.
Coding change: c.727C>G on transcript NM_006084.5 (MANE Select); coding-DNA position 727, C replaced by G.
Protein change: p.Leu243Val; replaces leucine 243 with valine.
Molecular consequence: missense variant. On other transcripts: intron variant (1).
Genome position (GRCh38, 1-based): chr14:24,164,691, C>G. VCF-style: chr14-24164691-C-G. GRCh37 (hg19) VCF-style: chr14-24633900-C-G.
Other names: c.754C>G, p.Leu252Val (NM_001385400.1, NM_001385401.1); c.650-186C>G (NM_001385402.1); short protein forms L243V, L252V.
Identifiers: ClinVar variation 1721759 (VCV001721759.5), dbSNP rs2139105621, ClinGen allele CA389207605.